The following is an entry in ClinVar:

NM_001375524.1(TRRAP):c.4103C>T (p.Ala1368Val)

Gene: TRRAP (transformation/transcription domain associated protein; plus strand). Cytogenetic location: 7q22.1.
Variant type: single nucleotide variant.
Coding change: c.4103C>T on transcript NM_001375524.1 (MANE Select); coding-DNA position 4103, C replaced by T.
Protein change: p.Ala1368Val; replaces alanine 1368 with valine.
Molecular consequence: missense variant.
Genome position (GRCh38, 1-based): chr7:98,935,667, C>T. VCF-style: chr7-98935667-C-T. GRCh37 (hg19) VCF-style: chr7-98533290-C-T.
Other names: c.4103C>T, p.Ala1368Val (NM_001244580.2, NM_003496.4); short protein forms A1368V.
Identifiers: ClinVar variation 4080612 (VCV004080612.2).

ClinVar aggregate classification (germline): Uncertain significance. Review status: criteria provided, multiple submitters, no conflicts (2 of 4 stars). 2 submissions from 2 submitters: Uncertain significance (2). Last evaluated 2025-10-23.

gnomAD v4.1: 6 of 1,586,992 alleles (0.00038%); highest among the groups gnomAD compares: East Asian, 0.0023%; no homozygotes.

Submissions (2):

Labcorp Genetics (formerly Invitae), Labcorp
Classification: Uncertain significance. Last evaluated: 2025-10-23. Review status: criteria provided, single submitter. Criteria: Invitae Variant Classification Sherloc (09022015). Collection method: clinical testing. Allele origin: germline.
Comment: This sequence change replaces alanine, which is neutral and non-polar, with valine, which is neutral and non-polar, at codon 1368 of the TRRAP protein (p.Ala1368Val). The frequency data for this variant in the population databases is considered unreliable, as metrics indicate poor data quality at this position in the gnomAD database. This variant has not been reported in the literature in individuals affected with TRRAP-related conditions. ClinVar contains an entry for this variant (Variation ID: 4080612). Invitae Evidence Modeling of protein sequence and biophysical properties (such as structural, functional, and spatial information, amino acid conservation, physicochemical variation, residue mobility, and thermodynamic stability) indicates that this missense variant is not expected to disrupt TRRAP protein function with a negative predictive value of 80%. In summary, the available evidence is currently insufficient to determine the role of this variant in disease. Therefore, it has been classified as a Variant of Uncertain Significance.

Revvity Omics, Revvity
Classification: Uncertain significance. Last evaluated: 2025-01-07. Review status: criteria provided, single submitter. Criteria: ACMG Guidelines, 2015. Collection method: clinical testing. Allele origin: germline.